The following is an entry in ClinVar:

ClinVar aggregate classification (germline): Pathogenic (1 of 4 stars; one submission).

Allele frequency attached by ClinVar (database versions not stated): gnomAD exomes below 0.00001.

Submission:

Labcorp Genetics (formerly Invitae), Labcorp
Classification: Pathogenic. Last evaluated: 2023-01-22. Review status: criteria provided, single submitter. Criteria: Invitae Variant Classification Sherloc (09022015). Collection method: clinical testing. Allele origin: germline.
Comment: This sequence change creates a premature translational stop signal (p.Arg757Lysfs*18) in the LIFR gene. It is expected to result in an absent or disrupted protein product. Loss-of-function variants in LIFR are known to be pathogenic (PMID: 14740318). For these reasons, this variant has been classified as Pathogenic. This variant has not been reported in the literature in individuals affected with LIFR-related conditions. This variant is not present in population databases (gnomAD no frequency).

Literature cited by the submitters: PubMed 14740318.

NM_001127671.2(LIFR):c.2268_2269dup (p.Arg757fs)

Gene: LIFR (LIF receptor subunit alpha; minus strand). Cytogenetic location: 5p13.1.
Variant type: Duplication.
Coding change: c.2268_2269dup on transcript NM_001127671.2 (MANE Select); coding-DNA positions 2268 to 2269, 2 bases duplicated (AA; older notation c.2268_2269dupAA).
Protein change: p.Arg757fs; shifts the reading frame from arginine 757.
Molecular consequence: frameshift variant.
Genome position (GRCh38, 1-based): chr5:38,489,144-38,489,145, TT duplicated on the plus strand (AA on the coding strand, the reverse complement: LIFR is on the minus strand). VCF-style (leftmost placement, unchanged base first): chr5-38489143-C-CTT. GRCh37 (hg19) VCF-style: chr5-38489245-C-CTT.
Other names: c.2268_2269dup, p.Arg757fs (NM_001364297.2, NM_001364298.2, NM_002310.6); short protein forms R757fs.
Identifiers: ClinVar variation 2829321 (VCV002829321.3), dbSNP rs2530968026, ClinGen allele CA2673628353.